The following is an entry in ClinVar:

ClinVar aggregate classification (germline): Uncertain significance (1 of 4 stars; one submission).

Allele frequency attached by ClinVar (database versions not stated): gnomAD 0.00001.
gnomAD v4.1: 6 of 1,585,146 alleles (0.00038%); highest among the groups gnomAD compares: Non-Finnish European, 0.00051%; no homozygotes.

Submission:

Ambry Genetics
Classification: Uncertain significance. Last evaluated: 2024-01-06. Review status: criteria provided, single submitter. Criteria: Ambry Variant Classification Scheme 2023. Collection method: clinical testing. Allele origin: germline.
Comment: The p.L1939Q variant (also known as c.5816T>A), located in coding exon 18 of the POLQ gene, results from a T to A substitution at nucleotide position 5816. The leucine at codon 1939 is replaced by glutamine, an amino acid with dissimilar properties. This amino acid position is conserved. In addition, this alteration is predicted to be tolerated by in silico analysis. Since supporting evidence is limited at this time, the clinical significance of this alteration remains unclear.

NM_199420.4(POLQ):c.5816T>A (p.Leu1939Gln)

Gene: POLQ (DNA polymerase theta; minus strand). Cytogenetic location: 3q13.33.
Variant type: single nucleotide variant.
Coding change: c.5816T>A on transcript NM_199420.4 (MANE Select); coding-DNA position 5816, T replaced by A.
Protein change: p.Leu1939Gln; replaces leucine 1939 with glutamine.
Molecular consequence: missense variant.
Genome position (GRCh38, 1-based): chr3:121,483,540, A>T on the plus strand (T>A on the coding strand, the complement: POLQ is on the minus strand). VCF-style: chr3-121483540-A-T. GRCh37 (hg19) VCF-style: chr3-121202387-A-T.
Other names: short protein forms L1939Q.
Identifiers: ClinVar variation 3230072 (VCV003230072.1), dbSNP rs2047987248, ClinGen allele CA354088735.